The following is an entry in ClinVar:

NC_012920.1(MT-ND5):m.12906C>A

Gene: MT-ND5 (mitochondrially encoded NADH dehydrogenase 5; plus strand).
Variant type: single nucleotide variant.
Genome position: chrM-12906-C-A.
Identifiers: ClinVar variation 693499 (VCV000693499.1), dbSNP rs28690070, ClinGen allele CA913170599.

ClinVar aggregate classification (germline): Likely benign (1 of 4 stars; one submission).

Conditions:
Leigh syndrome (NULS). Also called: Leigh's necrotizing encephalopathy; Leigh's disease; Leigh Syndrome (mtDNA deletion); Leigh Disease; Subacute necrotizing encephalopathy; Necrotizing encephalopathy infantile subacute of Leigh. Identifiers: Orphanet 506, MedGen C2931891, MONDO:0009723, OMIM 256000.

Submission:

Wong Mito Lab, Molecular and Human Genetics, Baylor College of Medicine
Classification: Likely benign for Leigh syndrome. Last evaluated: 2019-10-17. Review status: criteria provided, single submitter. Criteria: Modified ACMG Guidelines (Unpublished). Collection method: clinical testing. Allele origin: germline.
Comment: The NC_012920.1:m.12906C>A (YP_003024036.1:p.Ile190Met) variant in MTND5 gene is interpretated to be a Likely Benign variant based on the modified ACMG guidelines (unpublished). This variant meets the following evidence codes: BS4, BP4